The following is an entry in ClinVar:

NM_001369.3(DNAH5):c.5883-1G>A

Gene: DNAH5 (dynein axonemal heavy chain 5; minus strand). Cytogenetic location: 5p15.2.
Variant type: single nucleotide variant.
Coding change: c.5883-1G>A on transcript NM_001369.3 (MANE Select); the canonical splice acceptor site of the intron before coding-DNA position 5883, G replaced by A.
Molecular consequence: splice acceptor variant.
Genome position (GRCh38, 1-based): chr5:13,830,776, C>T on the plus strand (G>A on the coding strand, the complement: DNAH5 is on the minus strand). VCF-style: chr5-13830776-C-T. GRCh37 (hg19) VCF-style: chr5-13830885-C-T.
Identifiers: ClinVar variation 1070301 (VCV001070301.14), dbSNP rs1195745037, ClinGen allele CA359203217.

ClinVar aggregate classification (germline): Pathogenic/Likely pathogenic. Review status: criteria provided, multiple submitters, no conflicts (2 of 4 stars). 4 submissions from 4 submitters: Pathogenic (1); Likely pathogenic (3). Last evaluated 2025-12-01.

Conditions:
Primary ciliary dyskinesia 3. Identifiers: Orphanet 244, MedGen C1837618, MONDO:0012085, OMIM 608644.
Primary ciliary dyskinesia. Also called: Ciliary dyskinesia. Identifiers: Orphanet 244, MedGen C0008780, MONDO:0016575, HP:0012265.

Allele frequency attached by ClinVar (database versions not stated): gnomAD exomes below 0.00001 and 0.00001; gnomAD 0.00001; TOPMed 0.00001.
gnomAD v4.1: 3 of 1,613,974 alleles (0.00019%); highest among the groups gnomAD compares: Admixed American, 0.005%; no homozygotes.

Submissions (4):

Natera, Inc.
Classification: Likely pathogenic for Primary ciliary dyskinesia. Last evaluated: 2025-12-01. Review status: criteria provided, single submitter. Criteria: Natera Variant Classification Schema (03/2026). Collection method: clinical testing. Allele origin: germline.
Comment: The c.5883-1G>A variant in DNAH5 is a canonical splice acceptor site variant predicted to affect pre-mRNA splicing, which may result in an abnormal transcript and altered protein product. This variant is expected to result in nonsense mediated decay, truncation, or a dysfunctional protein product. This variant is rare in the general population with a frequency below the threshold expected for the associated phenotype(s). Given the available evidence, this variant is classified as Likely Pathogenic.

Fulgent Genetics
Classification: Likely pathogenic for Primary ciliary dyskinesia 3. Last evaluated: 2024-04-25. Review status: criteria provided, single submitter. Criteria: ACMG Guidelines, 2015. Collection method: clinical testing. Allele origin: germline.

Labcorp Genetics (formerly Invitae), Labcorp
Classification: Pathogenic for Primary ciliary dyskinesia. Last evaluated: 2024-03-29. Review status: criteria provided, single submitter. Criteria: Invitae Variant Classification Sherloc (09022015). Collection method: clinical testing. Allele origin: germline.
Comment: This sequence change affects an acceptor splice site in intron 35 of the DNAH5 gene. It is expected to disrupt RNA splicing. Variants that disrupt the donor or acceptor splice site typically lead to a loss of protein function (PMID: 16199547), and loss-of-function variants in DNAH5 are known to be pathogenic (PMID: 11788826, 16627867). This variant is present in population databases (no rsID available, gnomAD 0.004%). Disruption of this splice site has been observed in individual(s) with clinical features of primary ciliary dyskinesia (Invitae). ClinVar contains an entry for this variant (Variation ID: 1070301). Algorithms developed to predict the effect of sequence changes on RNA splicing suggest that this variant may disrupt the consensus splice site. For these reasons, this variant has been classified as Pathogenic.

Ambry Genetics
Classification: Likely pathogenic for Primary ciliary dyskinesia. Last evaluated: 2015-11-26. Review status: criteria provided, single submitter. Criteria: Ambry Variant Classification Scheme 2023. Collection method: clinical testing. Allele origin: germline.
Comment: The c.5883-1G>A intronic variant results from a G to A one nucleotide upstream from coding exon 36 of the DNAH5 gene. This variant was not reported in population based cohorts in the following databases: Database of Single Nucleotide Polymorphisms (dbSNP), NHLBI Exome Sequencing Project (ESP), and 1000 Genomes Project. In the ESP, this variant was not observed in 6503 samples (13006 alleles) with coverage at this position. This nucleotide position is highly conserved in available vertebrate species. Using the BDGP and ESEfinder splice site predication tools, this alteration is predicted to abolish the native splice acceptor site; although no direct evidence is available. Alterations that disrupt the canonical splice acceptor site are typically deleterious in nature (ACMG Recommendations for Standards for Interpretation and Reporting of Sequence Variations. Revision 2007. Genet Med. 2008;10:294). As such, the c.5883-1G>A variant is classified as likely pathogenic.

Literature cited by the submitters: PubMed 16199547 (cited by Labcorp Genetics (formerly Invitae), Labcorp); PubMed 11788826 (cited by Labcorp Genetics (formerly Invitae), Labcorp); PubMed 16627867 (cited by Labcorp Genetics (formerly Invitae), Labcorp).